The following is an entry in ClinVar:

NM_001034853.2(RPGR):c.3238_3241del (p.Gln1080fs)

Gene: RPGR (retinitis pigmentosa GTPase regulator; minus strand). Cytogenetic location: Xp11.4.
Variant type: Deletion.
Coding change: c.3238_3241del on transcript NM_001034853.2 (MANE Select); coding-DNA positions 3238 to 3241, 4 bases deleted (CAGG; older notation c.3238_3241delCAGG).
Protein change: p.Gln1080fs; shifts the reading frame from glutamine 1080.
Molecular consequence: frameshift variant. On other transcripts: intron variant (8).
Genome position (GRCh38, 1-based): chrX:38,285,758-38,285,761, CCTG deleted on the plus strand (CAGG on the coding strand, the reverse complement: RPGR is on the minus strand); deleting any 4 consecutive bases within chrX:38,285,758-38,285,764 gives the same sequence; the c. name uses the placement nearest the transcript's 3' end. VCF-style (leftmost placement, unchanged base first): chrX-38285757-TCCTG-T. GRCh37 (hg19) VCF-style: chrX-38145010-TCCTG-T.
Other names: c.1569+5198_1569+5201del (NM_001367249.1, NM_001367250.1); c.1902+1333_1902+1336del (NM_001367245.1); c.1386+5198_1386+5201del (NM_001367251.1); c.1719+1333_1719+1336del (NM_001367246.1); c.1572+5198_1572+5201del (NM_001367247.1); c.1905+1333_1905+1336del (NM_000328.3); c.1602+5198_1602+5201del (NM_001367248.1); short protein forms Q1080fs.
Identifiers: ClinVar variation 3700721 (VCV003700721.2).

ClinVar aggregate classification (germline): Pathogenic (1 of 4 stars; one submission).

Conditions:
Primary ciliary dyskinesia. Also called: Ciliary dyskinesia. Identifiers: Orphanet 244, MedGen C0008780, MONDO:0016575, HP:0012265.

Submission:

Labcorp Genetics (formerly Invitae), Labcorp
Classification: Pathogenic for Primary ciliary dyskinesia. Last evaluated: 2024-07-08. Review status: criteria provided, single submitter. Criteria: Invitae Variant Classification Sherloc (09022015). Collection method: clinical testing. Allele origin: germline.
Comment: This sequence change creates a premature translational stop signal (p.Gln1080Metfs*8) in the RPGR (ORF15) gene. While this is not anticipated to result in nonsense mediated decay, it is expected to disrupt the last 73 amino acid(s) of the RPGR (ORF15) protein. This variant is not present in population databases (gnomAD no frequency). This variant has not been reported in the literature in individuals affected with RPGR (ORF15)-related conditions. This variant disrupts a region of the RPGR (ORF15) protein in which other variant(s) (p.Leu1130Lysfs*13) have been determined to be pathogenic (PMID: 22264887). This suggests that this is a clinically significant region of the protein, and that variants that disrupt it are likely to be disease-causing. For these reasons, this variant has been classified as Pathogenic.

Literature cited by the submitters: PubMed 22264887.